The following is an entry in ClinVar:

ClinVar aggregate classification (germline): Uncertain significance (1 of 4 stars; one submission).

Conditions:
Multiple acyl-CoA dehydrogenase deficiency (MADD). Also called: Glutaric aciduria, type 2; Glutaric Acidemia type 2; ETHYLMALONIC-ADIPICACIDURIA; GA II; Glutaric acidemia type II; GA 2. Identifiers: Orphanet 26791, MedGen C0268596, MONDO:0009282, OMIM 231680.

Allele frequency attached by ClinVar (database versions not stated): TOPMed below 0.00001.
gnomAD v4.1: 4 of 1,614,102 alleles (0.00025%); highest among the groups gnomAD compares: African/African-American, 0.0013%; no homozygotes.

Submission:

Labcorp Genetics (formerly Invitae), Labcorp
Classification: Uncertain significance for Multiple acyl-CoA dehydrogenase deficiency. Last evaluated: 2022-11-01. Review status: criteria provided, single submitter. Criteria: Invitae Variant Classification Sherloc (09022015). Collection method: clinical testing. Allele origin: germline.
Comment: This sequence change replaces glutamine, which is neutral and polar, with histidine, which is basic and polar, at codon 513 of the ETFDH protein (p.Gln513His). In summary, the available evidence is currently insufficient to determine the role of this variant in disease. Therefore, it has been classified as a Variant of Uncertain Significance. Advanced modeling of protein sequence and biophysical properties (such as structural, functional, and spatial information, amino acid conservation, physicochemical variation, residue mobility, and thermodynamic stability) performed at Invitae indicates that this missense variant is not expected to disrupt ETFDH protein function. ClinVar contains an entry for this variant (Variation ID: 1387205). This variant has not been reported in the literature in individuals affected with ETFDH-related conditions. This variant is not present in population databases (gnomAD no frequency).

NM_004453.4(ETFDH):c.1539G>C (p.Gln513His)

Gene: ETFDH (electron transfer flavoprotein dehydrogenase; plus strand). Cytogenetic location: 4q32.1.
Variant type: single nucleotide variant.
Coding change: c.1539G>C on transcript NM_004453.4 (MANE Select); coding-DNA position 1539, G replaced by C.
Protein change: p.Gln513His; replaces glutamine 513 with histidine.
Molecular consequence: missense variant.
Genome position (GRCh38, 1-based): chr4:158,706,699, G>C. VCF-style: chr4-158706699-G-C. GRCh37 (hg19) VCF-style: chr4-159627851-G-C.
Other names: c.1398G>C, p.Gln466His (NM_001281737.2); c.1356G>C, p.Gln452His (NM_001281738.1); short protein forms Q452H, Q513H, Q466H.
Identifiers: ClinVar variation 1387205 (VCV001387205.6), dbSNP rs1445646586, ClinGen allele CA358564818.